The following is an entry in ClinVar:

ClinVar aggregate classification (germline): Uncertain significance (1 of 4 stars; one submission).

Conditions:
Familial hemiplegic migraine. Identifiers: MedGen C0338484, MONDO:0000700.

Allele frequency attached by ClinVar (database versions not stated): gnomAD exomes below 0.00001.

Submission:

Labcorp Genetics (formerly Invitae), Labcorp
Classification: Uncertain significance for Familial hemiplegic migraine. Last evaluated: 2020-10-09. Review status: criteria provided, single submitter. Criteria: Invitae Variant Classification Sherloc (09022015). Collection method: clinical testing. Allele origin: germline.
Comment: Experimental studies and prediction algorithms are not available or were not evaluated, and the functional significance of this variant is currently unknown. In summary, the available evidence is currently insufficient to determine the role of this variant in disease. Therefore, it has been classified as a Variant of Uncertain Significance. This variant has not been reported in the literature in individuals with ATP1A2-related conditions. This variant is not present in population databases (ExAC no frequency). This sequence change affects the initiator methionine of the ATP1A2 mRNA. The next in-frame methionine is located at codon 39.

NM_000702.4(ATP1A2):c.2T>C (p.Met1Thr)

Gene: ATP1A2 (ATPase Na+/K+ transporting subunit alpha 2; plus strand). Cytogenetic location: 1q23.2.
Variant type: single nucleotide variant.
Coding change: c.2T>C on transcript NM_000702.4 (MANE Select); coding-DNA position 2, T replaced by C.
Protein change: p.Met1Thr; changes the start codon (methionine 1).
Molecular consequence: missense variant, initiator codon variant.
Genome position (GRCh38, 1-based): chr1:160,115,863, T>C. VCF-style: chr1-160115863-T-C. GRCh37 (hg19) VCF-style: chr1-160085653-T-C.
Other names: short protein forms M1T.
Identifiers: ClinVar variation 1023702 (VCV001023702.9), dbSNP rs1651158379, ClinGen allele CA343224879.